The following is an entry in ClinVar:

NM_002230.4(JUP):c.457G>A (p.Asp153Asn)

Gene: JUP (junction plakoglobin; minus strand). Cytogenetic location: 17q21.2.
Variant type: single nucleotide variant.
Coding change: c.457G>A on transcript NM_002230.4 (MANE Select); coding-DNA position 457, G replaced by A.
Protein change: p.Asp153Asn; replaces aspartic acid 153 with asparagine.
Molecular consequence: missense variant.
Genome position (GRCh38, 1-based): chr17:41,769,429, C>T on the plus strand (G>A on the coding strand, the complement: JUP is on the minus strand). VCF-style: chr17-41769429-C-T. GRCh37 (hg19) VCF-style: chr17-39925681-C-T.
Other names: c.457G>A, p.Asp153Asn (NM_001352773.2, NM_001352774.2, NM_001352775.2 and 3 more transcripts); short protein forms D153N.
Identifiers: ClinVar variation 1741630 (VCV001741630.5), dbSNP rs368479692, ClinGen allele CA8565493.

ClinVar aggregate classification (germline): Conflicting classifications of pathogenicity. Review status: criteria provided, conflicting classifications (1 of 4 stars). 2 submissions from 2 submitters: Uncertain significance (1); Likely benign (1). Last evaluated 2024-10-08.

Conditions:
Cardiovascular phenotype. Identifiers: MedGen CN230736.
Arrhythmogenic right ventricular dysplasia 12. Also called: ARRHYTHMOGENIC RIGHT VENTRICULAR DYSPLASIA, FAMILIAL, 12. Identifiers: MedGen C1969081, MONDO:0012684, OMIM 611528.
Naxos disease (NXD). Also called: KERATOSIS PALMOPLANTARIS WITH ARRHYTHMOGENIC CARDIOMYOPATHY; MAL DE NAXOS; PALMOPLANTAR KERATODERMA WITH ARRHYTHMOGENIC RIGHT VENTRICULAR CARDIOMYOPATHY AND WOOLLY HAIR; WOOLLY HAIR, PALMOPLANTAR KERATODERMA, AND CARDIAC ABNORMALITIES; CARDIOMYOPATHY, ARRHYTHMOGENIC RIGHT VENTRICULAR, WITH SKIN, HAIR, AND NAIL ABNORMALITIES. Identifiers: Orphanet 34217, MedGen C1832600, MONDO:0011017, OMIM 601214.

Allele frequency attached by ClinVar (database versions not stated): ExAC 0.00001; gnomAD 0.00001; gnomAD exomes 0.00001; ESP Exome Variant Server 0.00008.

Submissions (2):

Ambry Genetics
Classification: Likely benign for Cardiovascular phenotype. Last evaluated: 2024-10-08. Review status: criteria provided, single submitter. Criteria: Ambry Variant Classification Scheme 2023. Collection method: clinical testing. Allele origin: germline.

Labcorp Genetics (formerly Invitae), Labcorp
Classification: Uncertain significance for Arrhythmogenic right ventricular dysplasia 12; Naxos disease. Last evaluated: 2022-08-26. Review status: criteria provided, single submitter. Criteria: Invitae Variant Classification Sherloc (09022015). Collection method: clinical testing. Allele origin: germline.
Comment: This sequence change replaces aspartic acid, which is acidic and polar, with asparagine, which is neutral and polar, at codon 153 of the JUP protein (p.Asp153Asn). The frequency data for this variant in the population databases is considered unreliable, as metrics indicate poor data quality at this position in the gnomAD database. This variant has not been reported in the literature in individuals affected with JUP-related conditions. Algorithms developed to predict the effect of missense changes on protein structure and function are either unavailable or do not agree on the potential impact of this missense change (SIFT: "Deleterious"; PolyPhen-2: "Probably Damaging"; Align-GVGD: "Class C0"). In summary, the available evidence is currently insufficient to determine the role of this variant in disease. Therefore, it has been classified as a Variant of Uncertain Significance.